The following is an entry in ClinVar:

ClinVar aggregate classification (germline): Uncertain significance (1 of 4 stars; one submission).

Conditions:
Bethlem myopathy 1A. Also called: MYOPATHY, BENIGN CONGENITAL, WITH CONTRACTURES; Bethlem myopathy 1; Bethlem Muscular Dystrophy. Identifiers: Orphanet 610, MedGen CN029274, MONDO:0024530, OMIM 158810.

gnomAD v4.1: 1 of 1,614,156 alleles (0.000062%); highest among the groups gnomAD compares: Non-Finnish European, 0.000085%; no homozygotes.

Submission:

Labcorp Genetics (formerly Invitae), Labcorp
Classification: Uncertain significance for Bethlem myopathy 1A. Last evaluated: 2026-01-25. Review status: criteria provided, single submitter. Criteria: Invitae Variant Classification Sherloc (09022015). Collection method: clinical testing. Allele origin: germline.
Comment: This sequence change replaces alanine, which is neutral and non-polar, with valine, which is neutral and non-polar, at codon 159 of the COL6A3 protein (p.Ala159Val). This variant is not present in population databases (gnomAD no frequency). This variant has not been reported in the literature in individuals affected with COL6A3-related conditions. Invitae Evidence Modeling of protein sequence and biophysical properties (such as structural, functional, and spatial information, amino acid conservation, physicochemical variation, residue mobility, and thermodynamic stability) indicates that this missense variant is not expected to disrupt COL6A3 protein function with a negative predictive value of 95%. In summary, the available evidence is currently insufficient to determine the role of this variant in disease. Therefore, it has been classified as a Variant of Uncertain Significance.

NM_004369.4(COL6A3):c.476C>T (p.Ala159Val)

Gene: COL6A3 (collagen type VI alpha 3 chain; minus strand). Cytogenetic location: 2q37.3.
Variant type: single nucleotide variant.
Coding change: c.476C>T on transcript NM_004369.4 (MANE Select); coding-DNA position 476, C replaced by T.
Protein change: p.Ala159Val; replaces alanine 159 with valine.
Molecular consequence: missense variant. On other transcripts: intron variant (4).
Genome position (GRCh38, 1-based): chr2:237,394,820, G>A on the plus strand (C>T on the coding strand, the complement: COL6A3 is on the minus strand). VCF-style: chr2-237394820-G-A. GRCh37 (hg19) VCF-style: chr2-238303463-G-A.
Other names: c.91+1907C>T (NM_057165.5, NM_057166.5, NM_057167.4 and 1 more transcripts); short protein forms A159V.
Identifiers: ClinVar variation 4697792 (VCV004697792.1).
Genomic context (GRCh38, chr2:237,394,820, plus strand): 5'-TCCTCAACTCCAATTGCAAACACGTTAACATCAGCAGACTTAAGTTCCGCTGAGGGCAGA[G>A]CAAGGCCATCCTTCGAGTGTCCATCAGTTAACACTACGATAACCTGAGGGACTCCGTCAC-3'
Protein context (NP_004360.2, residues 149-169): LTDGHSKDGL[Ala159Val]LPSAELKSAD